The following is an entry in ClinVar:

NM_005911.6(MAT2A):c.1066C>T (p.Arg356Cys)

Genes: GGCX (gamma-glutamyl carboxylase; minus strand), MAT2A (methionine adenosyltransferase 2A; plus strand). Cytogenetic location: 2p11.2.
Variant type: single nucleotide variant.
Coding change: c.1066C>T on transcript NM_005911.6 (MANE Select); coding-DNA position 1066, C replaced by T.
Protein change: p.Arg356Cys; replaces arginine 356 with cysteine.
Molecular consequence: missense variant.
Genome position (GRCh38, 1-based): chr2:85,543,015, C>T. VCF-style: chr2-85543015-C-T. GRCh37 (hg19) VCF-style: chr2-85770138-C-T.
Other names: short protein forms R356C.
Identifiers: ClinVar variation 4052033 (VCV004052033.4).

ClinVar aggregate classification (germline): Uncertain significance. Review status: criteria provided, multiple submitters, no conflicts (2 of 4 stars). 3 submissions from 3 submitters: Uncertain significance (3). Last evaluated 2026-06-01.

Conditions:
Cardiovascular phenotype. Identifiers: MedGen CN230736.
Familial thoracic aortic aneurysm and aortic dissection (TAAD). Also called: Thoracic aortic aneurysms and dissections. Identifiers: Orphanet 91387, MedGen C4707243, MONDO:0019625.

Submissions (3):

CeGaT Center for Human Genetics Tuebingen
Classification: Uncertain significance. Last evaluated: 2026-06-01. Review status: criteria provided, single submitter. Criteria: CeGaT Center For Human Genetics Tuebingen Variant Classification Criteria Version 2. Collection method: clinical testing. Allele origin: germline. Affected: yes. Observed: 1 variant allele.
Comment: MAT2A: PM2

Labcorp Genetics (formerly Invitae), Labcorp
Classification: Uncertain significance for Familial thoracic aortic aneurysm and aortic dissection. Last evaluated: 2025-10-12. Review status: criteria provided, single submitter. Criteria: Invitae Variant Classification Sherloc (09022015). Collection method: clinical testing. Allele origin: germline.
Comment: This sequence change replaces arginine, which is basic and polar, with cysteine, which is neutral and slightly polar, at codon 356 of the MAT2A protein (p.Arg356Cys). This variant is not present in population databases (gnomAD no frequency). This variant has not been reported in the literature in individuals affected with MAT2A-related conditions. ClinVar contains an entry for this variant (Variation ID: 4052033). Invitae Evidence Modeling of protein sequence and biophysical properties (such as structural, functional, and spatial information, amino acid conservation, physicochemical variation, residue mobility, and thermodynamic stability) indicates that this missense variant is expected to disrupt MAT2A protein function with a positive predictive value of 80%. In summary, the available evidence is currently insufficient to determine the role of this variant in disease. Therefore, it has been classified as a Variant of Uncertain Significance.

Ambry Genetics
Classification: Uncertain significance for Cardiovascular phenotype. Last evaluated: 2025-06-13. Review status: criteria provided, single submitter. Criteria: Ambry Variant Classification Scheme 2023. Collection method: clinical testing. Allele origin: germline.
Comment: The p.R356C variant (also known as c.1066C>T), located in coding exon 8 of the MAT2A gene, results from a C to T substitution at nucleotide position 1066. The arginine at codon 356 is replaced by cysteine, an amino acid with highly dissimilar properties. This amino acid position is highly conserved in available vertebrate species. In addition, this alteration is predicted to be deleterious by in silico analysis. The evidence for this gene-disease relationship is limited; therefore, the clinical significance of this alteration is unclear.